The following is an entry in ClinVar:

NM_000038.6(APC):c.5174C>G (p.Ala1725Gly)

Gene: APC (APC regulator of Wnt signaling pathway; plus strand). Cytogenetic location: 5q22.2.
Variant type: single nucleotide variant.
Coding change: c.5174C>G on transcript NM_000038.6 (MANE Select); coding-DNA position 5174, C replaced by G.
Protein change: p.Ala1725Gly; replaces alanine 1725 with glycine.
Molecular consequence: missense variant. On other transcripts: non-coding transcript variant (2).
Genome position (GRCh38, 1-based): chr5:112,840,768, C>G. VCF-style: chr5-112840768-C-G. GRCh37 (hg19) VCF-style: chr5-112176465-C-G.
Other names: c.5174C>G, p.Ala1725Gly (NM_001127510.3, NM_001354895.2, NM_001407450.1); c.5120C>G, p.Ala1707Gly (NM_001127511.3); c.5228C>G, p.Ala1743Gly (NM_001354896.2, NM_001407447.1, NM_001407448.1 and 1 more transcripts); c.5204C>G, p.Ala1735Gly (NM_001354897.2); c.5099C>G, p.Ala1700Gly (NM_001354898.2); c.5090C>G, p.Ala1697Gly (NM_001354899.2); c.5051C>G, p.Ala1684Gly (NM_001354900.2); c.4997C>G, p.Ala1666Gly (NM_001354901.2, NM_001407453.1); and 11 more; short protein forms A1624G, A1666G, A1707G, A1565G, A1634G, A1684G, A1725G, A1743G.
Identifiers: ClinVar variation 3410391 (VCV003410391.1).
Genomic context (GRCh38, chr5:112,840,768, plus strand): 5'-CCTCATCTGTAACCATACCTGAATTGGATGACAATAAAGCAGAGGAAGGTGATATTCTTG[C>G]AGAATGCATTAATTCTGCTATGCCCAAAGGGAAAAGTCACAAGCCTTTCCGTGTGAAAAA-3'
Protein context (NP_000029.2, residues 1715-1735): DNKAEEGDIL[Ala1725Gly]ECINSAMPKG

ClinVar aggregate classification (germline): Uncertain significance (1 of 4 stars; one submission).

Conditions:
Hereditary cancer-predisposing syndrome. Also called: Neoplastic Syndromes, Hereditary; Tumor predisposition; Hereditary Cancer Syndrome; Hereditary neoplastic syndrome. Identifiers: Orphanet 140162, MedGen C0027672, MeSH D009386, MONDO:0015356.

Submission:

Ambry Genetics
Classification: Uncertain significance for Hereditary cancer-predisposing syndrome. Last evaluated: 2024-08-18. Review status: criteria provided, single submitter. Criteria: Ambry Variant Classification Scheme 2023. Collection method: clinical testing. Allele origin: germline.
Comment: The p.A1725G variant (also known as c.5174C>G), located in coding exon 15 of the APC gene, results from a C to G substitution at nucleotide position 5174. The alanine at codon 1725 is replaced by glycine, an amino acid with similar properties. This amino acid position is conserved. In addition, in silico predictors for this gene do not accurately predict pathogenicity. Based on the available evidence, the clinical significance of this variant remains unclear.